The following is an entry in ClinVar:

ClinVar aggregate classification (germline): Uncertain significance. Review status: criteria provided, multiple submitters, no conflicts (2 of 4 stars). 2 submissions from 2 submitters: Uncertain significance (2). Last evaluated 2024-12-02.

Conditions:
Hereditary cancer-predisposing syndrome. Also called: Neoplastic Syndromes, Hereditary; Tumor predisposition; Hereditary neoplastic syndrome; Hereditary Cancer Syndrome. Identifiers: Orphanet 140162, MedGen C0027672, MeSH D009386, MONDO:0015356.
Familial cancer of breast. Also called: Hereditary breast cancer; hereditary breast carcinoma; BREAST CANCER, FAMILIAL. Identifiers: Orphanet 227535, MedGen C0346153, MONDO:0016419, OMIM 114480. Disease mechanism: loss of function.

Submissions (2):

Ambry Genetics
Classification: Uncertain significance for Hereditary cancer-predisposing syndrome. Last evaluated: 2024-12-02. Review status: criteria provided, single submitter. Criteria: Ambry Variant Classification Scheme 2023. Collection method: clinical testing. Allele origin: germline.
Comment: The p.I97K variant (also known as c.290T>A), located in coding exon 3 of the BARD1 gene, results from a T to A substitution at nucleotide position 290. The isoleucine at codon 97 is replaced by lysine, an amino acid with dissimilar properties. This amino acid position is highly conserved in available vertebrate species. In addition, the in silico prediction for this alteration is inconclusive. Based on the available evidence, the clinical significance of this variant remains unclear.

Labcorp Genetics (formerly Invitae), Labcorp
Classification: Uncertain significance for Familial cancer of breast. Last evaluated: 2019-12-27. Review status: criteria provided, single submitter. Criteria: Invitae Variant Classification Sherloc (09022015). Collection method: clinical testing. Allele origin: germline.
Comment: In summary, the available evidence is currently insufficient to determine the role of this variant in disease. Therefore, it has been classified as a Variant of Uncertain Significance. Algorithms developed to predict the effect of missense changes on protein structure and function (SIFT, PolyPhen-2, Align-GVGD) all suggest that this variant is likely to be disruptive, but these predictions have not been confirmed by published functional studies and their clinical significance is uncertain. This variant has not been reported in the literature in individuals with BARD1-related conditions. This variant is not present in population databases (ExAC no frequency). This sequence change replaces isoleucine with lysine at codon 97 of the BARD1 protein (p.Ile97Lys). The isoleucine residue is highly conserved and there is a moderate physicochemical difference between isoleucine and lysine.

NM_000465.4(BARD1):c.290T>A (p.Ile97Lys)

Gene: BARD1 (BRCA1 associated RING domain 1; minus strand). Cytogenetic location: 2q35.
Variant type: single nucleotide variant.
Coding change: c.290T>A on transcript NM_000465.4 (MANE Select); coding-DNA position 290, T replaced by A.
Protein change: p.Ile97Lys; replaces isoleucine 97 with lysine.
Molecular consequence: missense variant. On other transcripts: non-coding transcript variant (1), intron variant (2).
Genome position (GRCh38, 1-based): chr2:214,792,371, A>T on the plus strand (T>A on the coding strand, the complement: BARD1 is on the minus strand). VCF-style: chr2-214792371-A-T. GRCh37 (hg19) VCF-style: chr2-215657095-A-T.
Other names: c.233T>A, p.Ile78Lys (NM_001282543.2); c.290T>A, p.Ile97Lys (NM_001282549.2); c.158+17041T>A (NM_001282548.2); c.215+4690T>A (NM_001282545.2); c.290T>A (NM_000465.2); short protein forms I97K, I78K.
Identifiers: ClinVar variation 840259 (VCV000840259.12), dbSNP rs878854009, ClinGen allele CA350461039.